The following is an entry in ClinVar:

ClinVar aggregate classification (germline): Likely benign (0 of 4 stars; one submission).

Conditions:
CWF19L1-related disorder. Also called: CWF19L1-related condition.

Allele frequency attached by ClinVar (database versions not stated): TOPMed 0.00002; gnomAD 0.00007; 1000 Genomes Project 30x 0.00016; gnomAD exomes 0.00016; 1000 Genomes Project 0.00020; ExAC 0.00034.
gnomAD v4.1: 250 of 1,614,000 alleles (0.015%); highest among the groups gnomAD compares: South Asian, 0.26%; 3 homozygotes.

Submission:

PreventionGenetics, part of Exact Sciences
Classification: Likely benign for CWF19L1-related condition. Last evaluated: 2022-03-21. Review status: no assertion criteria provided. Collection method: clinical testing. Allele origin: germline.
Comment: This variant is classified as likely benign based on ACMG/AMP sequence variant interpretation guidelines (Richards et al. 2015 PMID: 25741868, with internal and published modifications).

NM_018294.6(CWF19L1):c.580T>C (p.Phe194Leu)

Gene: CWF19L1 (CWF19 like cell cycle control factor 1; minus strand). Cytogenetic location: 10q24.31.
Variant type: single nucleotide variant.
Coding change: c.580T>C on transcript NM_018294.6 (MANE Select); coding-DNA position 580, T replaced by C.
Protein change: p.Phe194Leu; replaces phenylalanine 194 with leucine.
Molecular consequence: missense variant. On other transcripts: 5 prime UTR variant (1).
Genome position (GRCh38, 1-based): chr10:100,253,464, A>G on the plus strand (T>C on the coding strand, the complement: CWF19L1 is on the minus strand). VCF-style: chr10-100253464-A-G. GRCh37 (hg19) VCF-style: chr10-102013221-A-G.
Other names: c.580T>C, p.Phe194Leu (NM_001303404.2); c.169T>C, p.Phe57Leu (NM_001303405.2, NM_001303406.2); c.-156T>C (NM_001303407.2); short protein forms F194L, F57L.
Identifiers: ClinVar variation 3049798 (VCV003049798.2), dbSNP rs545617935, ClinGen allele CA5647132.